The following is an entry in ClinVar:

ClinVar aggregate classification (germline): Uncertain significance (0 of 4 stars; one submission).

Conditions:
SIX5-related disorder. Also called: SIX5-related condition.

Submission:

PreventionGenetics, part of Exact Sciences
Classification: Uncertain significance for SIX5-related condition. Last evaluated: 2024-04-04. Review status: no assertion criteria provided. Collection method: clinical testing. Allele origin: germline.
Comment: The SIX5 c.614T>C variant is predicted to result in the amino acid substitution p.Val205Ala. To our knowledge, this variant has not been reported in the literature or in a large population database, indicating this variant is rare. At this time, the clinical significance of this variant is uncertain due to the absence of conclusive functional and genetic evidence.

NM_175875.5(SIX5):c.614T>C (p.Val205Ala)

Genes: DM1-AS (DM1 locus antisense RNA; plus strand), SIX5 (SIX homeobox 5; minus strand), LOC107075317 (origin of replication in DMPK trinucleotide repeat region; plus strand). Cytogenetic location: 19q13.32.
Variant type: single nucleotide variant.
Coding change: c.614T>C on transcript NM_175875.5 (MANE Select); coding-DNA position 614, T replaced by C.
Protein change: p.Val205Ala; replaces valine 205 with alanine.
Molecular consequence: missense variant.
Genome position (GRCh38, 1-based): chr19:45,768,231, A>G on the plus strand (T>C on the coding strand, the complement: SIX5 is on the minus strand). VCF-style: chr19-45768231-A-G. GRCh37 (hg19) VCF-style: chr19-46271489-A-G.
Other names: short protein forms V205A.
Identifiers: ClinVar variation 3344245 (VCV003344245.1).
Genomic context (GRCh38, chr19:45,768,231, plus strand): 5'-TAGCGGTTGCCGCGGTAGCAGGCCTTGAGCGCTGCGCGGGAGCGCTCCTTGAAGCAGTAG[A>G]CTGTCTCCTCGCCGTCCCAGATGGTCTTGGGCAGCGGGAACTTCTTGCGCAGTCGATACT-3'
Protein context (NP_787071.3, residues 195-215): PKTIWDGEET[Val205Ala]YCFKERSRAA